The following is an entry in ClinVar:

ClinVar aggregate classification (germline): Likely benign. Review status: criteria provided, multiple submitters, no conflicts (2 of 4 stars). 3 submissions from 3 submitters: Likely benign (3). Last evaluated 2024-07-03.

Conditions:
Familial thoracic aortic aneurysm and aortic dissection (TAAD). Also called: Thoracic aortic aneurysms and dissections. Identifiers: Orphanet 91387, MedGen C4707243, MONDO:0019625.

Allele frequency attached by ClinVar (database versions not stated): gnomAD exomes below 0.00001; ExAC 0.00001; gnomAD 0.00003 and 0.00004; TOPMed 0.00004; ESP Exome Variant Server 0.00008.
gnomAD v4.1: 7 of 1,613,820 alleles (0.00043%); highest among the groups gnomAD compares: African/African-American, 0.0093%; no homozygotes.

Submissions (3):

Labcorp Genetics (formerly Invitae), Labcorp
Classification: Likely benign for Familial thoracic aortic aneurysm and aortic dissection. Last evaluated: 2024-07-03. Review status: criteria provided, single submitter. Criteria: Invitae Variant Classification Sherloc (09022015). Collection method: clinical testing. Allele origin: germline.

Color Diagnostics, LLC DBA Color Health
Classification: Likely benign for Familial thoracic aortic aneurysm and aortic dissection. Last evaluated: 2021-01-05. Review status: criteria provided, single submitter. Criteria: ACMG Guidelines, 2015. Collection method: clinical testing. Allele origin: germline.

GeneDx
Classification: Likely benign. Last evaluated: 2016-01-28. Review status: criteria provided, single submitter. Criteria: GeneDx Variant Classification (06012015). Collection method: clinical testing. Allele origin: germline. Affected: yes.
Comment: This variant is considered likely benign or benign based on one or more of the following criteria: it is a conservative change, it occurs at a poorly conserved position in the protein, it is predicted to be benign by multiple in silico algorithms, and/or has population frequency not consistent with disease.

NM_004612.4(TGFBR1):c.135T>C (p.Asn45=)

Gene: TGFBR1 (transforming growth factor beta receptor 1; plus strand). Cytogenetic location: 9q22.33.
Variant type: single nucleotide variant.
Coding change: c.135T>C on transcript NM_004612.4 (MANE Select); coding-DNA position 135, T replaced by C.
Protein change: p.Asn45=; no amino-acid change (asparagine 45 retained).
Molecular consequence: synonymous variant.
Genome position (GRCh38, 1-based): chr9:99,128,892, T>C. VCF-style: chr9-99128892-T-C. GRCh37 (hg19) VCF-style: chr9-101891174-T-C.
Other names: c.135T>C, p.Asn45= (NM_001130916.3, NM_001306210.2).
Identifiers: ClinVar variation 383294 (VCV000383294.8), dbSNP rs369226180, ClinGen allele CA041115.
Genomic context (GRCh38, chr9:99,128,892, plus strand): 5'-TAAGAATCTTTCTCTTTTTCCAGCGTTACAGTGTTTCTGCCACCTCTGTACAAAAGACAA[T>C]TTTACTTGTGTGACAGATGGGCTCTGCTTTGTCTCTGTCACAGAGACCACAGACAAAGTT-3'
Protein context (NP_004603.1, residues 35-55): QCFCHLCTKD[Asn45=]FTCVTDGLCF